The following is an entry in ClinVar:

NM_024753.5(TTC21B):c.1697A>G (p.His566Arg)

Gene: TTC21B (tetratricopeptide repeat domain 21B; minus strand). Cytogenetic location: 2q24.3.
Variant type: single nucleotide variant.
Coding change: c.1697A>G on transcript NM_024753.5 (MANE Select); coding-DNA position 1697, A replaced by G.
Protein change: p.His566Arg; replaces histidine 566 with arginine.
Molecular consequence: missense variant.
Genome position (GRCh38, 1-based): chr2:165,917,459, T>C on the plus strand (A>G on the coding strand, the complement: TTC21B is on the minus strand). VCF-style: chr2-165917459-T-C. GRCh37 (hg19) VCF-style: chr2-166773969-T-C.
Other names: short protein forms H566R.
Identifiers: ClinVar variation 194432 (VCV000194432.54), dbSNP rs146320075, ClinGen allele CA240377.
Genomic context (GRCh38, chr2:165,917,459, plus strand): 5'-AGTGTTTTAATTGCGTCTGCTATTTCTCCCATTTTCTTTTGTGACTGAGCTTTTATCAAA[T>C]GGTATAAAGGATAGTCTCTCACCTGAAGAATAATATTTAATATTTCCTTGGAGTGCTTAC-3'
Protein context (NP_079029.3, residues 556-576): DFKVRDYPLY[His566Arg]LIKAQSQKKM

ClinVar aggregate classification (germline): Conflicting classifications of pathogenicity. Review status: criteria provided, conflicting classifications (1 of 4 stars). 10 submissions from 9 submitters: Uncertain significance (7); Likely benign (3). Last evaluated 2026-08-05.

Conditions:
TTC21B-related disorder. Also called: TTC21B-related condition; TTC21B-related disorders.
Jeune thoracic dystrophy. Also called: Jeune syndrome; Infantile thoracic dystrophy; Thoracic pelvic phalangeal dystrophy; Jeune's syndrome; Chondroectodermal dysplasia-like syndrome; Short-rib thoracic dysplasia. Identifiers: Orphanet 474, MedGen C0265275, MONDO:0018770.
Nephronophthisis. Also called: Juvenile Nephronophthisis. Identifiers: Orphanet 655, MedGen C0687120, MONDO:0019005, HP:0000090.
Asphyxiating thoracic dystrophy 4 (SRTD4). Also called: SHORT-RIB THORACIC DYSPLASIA 4 WITH OR WITHOUT POLYDACTYLY; SHORT-RIB THORACIC DYSPLASIA 4. Identifiers: Orphanet 474, MedGen C3151185, MONDO:0013441, OMIM 613819.
Nephronophthisis 12 (NPHP12). Identifiers: Orphanet 655, MedGen C3151186, MONDO:0013442, OMIM 613820.

Allele frequency attached by ClinVar (database versions not stated): 1000 Genomes Project 30x 0.00016; 1000 Genomes Project 0.00020; TOPMed 0.00026; ESP Exome Variant Server 0.00038; gnomAD exomes 0.00043 and 0.00059; ExAC 0.00056; gnomAD 0.00061 and 0.00063.
gnomAD v4.1: 707 of 1,613,480 alleles (0.044%); highest among the groups gnomAD compares: Non-Finnish European, 0.043%; 2 homozygotes.

Submissions (10):

PreventionGenetics, part of Exact Sciences
Classification: Likely benign for TTC21B-related condition. Last evaluated: 2026-08-05. Review status: criteria provided, single submitter. Criteria: ACMG Guidelines, 2015. Collection method: clinical testing. Allele origin: germline.
Comment: This variant is classified as likely benign based on ACMG/AMP sequence variant interpretation guidelines (Richards et al. 2015 PMID: 25741868, with internal and published modifications).

Labcorp Genetics (formerly Invitae), Labcorp
Classification: Likely benign for Jeune thoracic dystrophy; Nephronophthisis. Last evaluated: 2025-12-30. Review status: criteria provided, single submitter. Criteria: Invitae Variant Classification Sherloc (09022015). Collection method: clinical testing. Allele origin: germline.

Blueprint Genetics
Classification: Likely benign. Last evaluated: 2024-11-22. Review status: criteria provided, single submitter. Criteria: ACMG Guidelines, 2015. Collection method: clinical testing. Allele origin: germline.

CeGaT Center for Human Genetics Tuebingen
Classification: Uncertain significance. Last evaluated: 2024-04-01. Review status: criteria provided, single submitter. Criteria: CeGaT Center For Human Genetics Tuebingen Variant Classification Criteria Version 2. Collection method: clinical testing. Allele origin: germline. Affected: yes. Observed: 3 variant alleles.
Comment: TTC21B: PM2, PP3

GeneDx
Classification: Uncertain significance. Last evaluated: 2024-02-13. Review status: criteria provided, single submitter. Criteria: GeneDx Variant Classification Process June 2021. Collection method: clinical testing. Allele origin: germline. Affected: yes.
Comment: Observed in a patient with nephronophthisis in whom a second TTC21B variant was not identified (PMID: 21258341); In silico analysis supports that this missense variant has a deleterious effect on protein structure/function; This variant is associated with the following publications: (PMID: 34426522, 36263627, 33452237, 21258341)

Fulgent Genetics
Classification: Uncertain significance for Asphyxiating thoracic dystrophy 4; Nephronophthisis 12. Last evaluated: 2018-10-31. Review status: criteria provided, single submitter. Criteria: ACMG Guidelines, 2015. Collection method: clinical testing. Allele origin: unknown.

SIB Swiss Institute of Bioinformatics
Classification: Uncertain significance for Nephronophthisis 12. Last evaluated: 2018-10-15. Review status: criteria provided, single submitter. Criteria: ACMG Guidelines, 2015. Collection method: curation. Allele origin: unknown.
Comment: This variant is interpreted as Uncertain Significance - Conflicting Evidence, for Nephronophthisis 12, autosomal recessive. The following ACMG Tag(s) were applied: PP3 => Multiple lines of computational evidence support a deleterious effect on the gene or gene product. BS1-Supporting => BS1 downgraded in strength to supporting. PS3 => Well-established functional studies show a deleterious effect (PubMed 21258341).

Illumina Laboratory Services, Illumina
Classification: Uncertain significance for Asphyxiating thoracic dystrophy 4. Last evaluated: 2017-08-21. Review status: criteria provided, single submitter. Criteria: ICSL Variant Classification Criteria 13 December 2019. Collection method: clinical testing. Allele origin: germline.
Comment: This variant was observed as part of a predisposition screen in an ostensibly healthy population. A literature search was performed for the gene, cDNA change, and amino acid change (where applicable). Publications were found based on this search. However, the evidence from the literature, in combination with allele frequency data from public databases where available, was not sufficient to rule this variant in or out of causing disease. Therefore, this variant is classified as a variant of unknown significance.

Illumina Laboratory Services, Illumina
Classification: Uncertain significance for Nephronophthisis 12. Last evaluated: 2017-08-21. Review status: criteria provided, single submitter. Criteria: ICSL Variant Classification Criteria 13 December 2019. Collection method: clinical testing. Allele origin: germline.
Comment: the same text as in the submission from Illumina Laboratory Services, Illumina above.

Eurofins Ntd Llc (ga)
Classification: Uncertain significance. Last evaluated: 2015-04-28. Review status: criteria provided, single submitter. Criteria: EGL Classification Definitions 2015. Collection method: clinical testing. Allele origin: germline. Observed: 1 variant allele, 1 heterozygote.

Literature cited by the submitters: PubMed 21258341 (cited by SIB Swiss Institute of Bioinformatics and Illumina Laboratory Services, Illumina).